The following is an entry in ClinVar:

ClinVar aggregate classification (germline): Likely pathogenic (1 of 4 stars; one submission).

Conditions:
Pitt-Hopkins syndrome (PTHS). Also called: ENCEPHALOPATHY, SEVERE EPILEPTIC, WITH AUTONOMIC DYSFUNCTION; MENTAL RETARDATION, SYNDROMAL, WITH INTERMITTENT HYPERVENTILATION. Identifiers: Orphanet 2896, MedGen C1970431, MONDO:0012589, OMIM 610954.

Submission:

3billion
Classification: Likely pathogenic for Pitt-Hopkins syndrome. Last evaluated: 2024-06-21. Review status: criteria provided, single submitter. Criteria: ACMG Guidelines, 2015. Collection method: clinical testing. Allele origin: germline. Affected: yes.
Comment: The variant is not observed in the gnomAD v4.0.0 dataset. Predicted Consequence/Location: Canonical splice site: predicted to alter splicing and result in a loss or disruption of normal protein function. Multiple pathogenic loss-of-function variants are reported downstream of the variant. Therefore, this variant is classified as Likely pathogenic according to the recommendation of ACMG/AMP guideline.

NM_001083962.2(TCF4):c.790-1G>C

Genes: TCF4 (transcription factor 4; minus strand), LOC126862757 (CDK7 strongly-dependent group 2 enhancer GRCh37_chr18:52936433-52937632; plus strand). Cytogenetic location: 18q21.2.
Variant type: single nucleotide variant.
Coding change: c.790-1G>C on transcript NM_001083962.2 (MANE Select); the canonical splice acceptor site of the intron before coding-DNA position 790, G replaced by C.
Molecular consequence: splice acceptor variant.
Genome position (GRCh38, 1-based): chr18:55,269,964, C>G on the plus strand (G>C on the coding strand, the complement: TCF4 is on the minus strand). VCF-style: chr18-55269964-C-G. GRCh37 (hg19) VCF-style: chr18-52937195-C-G.
Other names: c.718-1G>C (NM_001306207.1, NM_001348217.1, NM_001348218.2 and 9 more transcripts); c.577-1G>C (NM_001306208.1, NM_001243232.1); c.664-1G>C (NM_001243231.2, NM_001348211.2); c.400-1G>C (NM_001348212.2, NM_001348213.2, NM_001243233.2 and 1 more transcripts); c.310-1G>C (NM_001348214.2, NM_001243235.2, NM_001243234.2 and 2 more transcripts); c.142-1G>C (NM_001348215.2); c.715-1G>C (NM_001348220.1, NM_001369584.1, NM_001369576.1 and 3 more transcripts); c.1096-1G>C (NM_001243226.3); and 4 more.
Identifiers: ClinVar variation 4293578 (VCV004293578.1).